The following is an entry in ClinVar:

ClinVar aggregate classification (germline): Uncertain significance (1 of 4 stars; one submission).

Conditions:
Primary ciliary dyskinesia. Also called: Ciliary dyskinesia. Identifiers: Orphanet 244, MedGen C0008780, MONDO:0016575, HP:0012265.

Submission:

Labcorp Genetics (formerly Invitae), Labcorp
Classification: Uncertain significance for Primary ciliary dyskinesia. Last evaluated: 2022-06-28. Review status: criteria provided, single submitter. Criteria: Invitae Variant Classification Sherloc (09022015). Collection method: clinical testing. Allele origin: germline.
Comment: A copy number gain of the genomic region encompassing the full coding sequence of the RPGR gene has been identified. The boundaries of this event are unknown as they extend beyond the assayed region for this gene and therefore may encompass additional genes. As the precise location of this event is unknown, it may be in tandem or it may be located elsewhere in the genome. This variant has not been reported in the literature in individuals affected with RPGR-related conditions. In summary, the available evidence is currently insufficient to determine the role of this variant in disease. Therefore, it has been classified as a Variant of Uncertain Significance.

NC_000023.10:g.(?_37545209)_(38186626_?)dup

Genes: RPGR (retinitis pigmentosa GTPase regulator; minus strand), XK (X-linked Kx blood group antigen, Kell and VPS13A binding protein; plus strand), SRPX (sushi repeat containing protein X-linked; minus strand), SYTL5 (synaptotagmin like 5; plus strand), CYBB (cytochrome b-245 beta chain; plus strand) and 2 more. Cytogenetic location: Xp21.1-11.4.
Variant type: Duplication.
Identifiers: ClinVar variation 1055977 (VCV001055977.13).